The following is an entry in ClinVar:

NM_000044.6(AR):c.2710G>T (p.Val904Leu)

Gene: AR (androgen receptor; plus strand). Cytogenetic location: Xq12.
Variant type: single nucleotide variant.
Coding change: c.2710G>T on transcript NM_000044.6 (MANE Select); coding-DNA position 2710, G replaced by T.
Protein change: p.Val904Leu; replaces valine 904 with leucine.
Molecular consequence: missense variant.
Genome position (GRCh38, 1-based): chrX:67,723,788, G>T. VCF-style: chrX-67723788-G-T. GRCh37 (hg19) VCF-style: chrX-66943630-G-T.
Other names: c.1114G>T, p.Val372Leu (NM_001011645.3); short protein forms V372L, V904L.
Identifiers: ClinVar variation 1333387 (VCV001333387.2), dbSNP rs2147540656, ClinGen allele CA413428388.

ClinVar aggregate classification (germline): Pathogenic/Likely pathogenic. Review status: criteria provided, multiple submitters, no conflicts (2 of 4 stars). 2 submissions from 2 submitters: Pathogenic (1); Likely pathogenic (1). Last evaluated 2023-11-20.

Conditions:
Androgen resistance syndrome (AIS). Also called: Androgen insensitivity, complete; ANDROGEN RECEPTOR DEFICIENCY; DIHYDROTESTOSTERONE RECEPTOR DEFICIENCY; Androgen insensitivity syndrome due to coactivator deficiency; Androgen insensitivity; TESTICULAR FEMINIZATION SYNDROME. Identifiers: Orphanet 754, Orphanet 99429, MedGen C0039585, MONDO:0019154, OMIM 300068. Disease mechanism: loss of function.

Submissions (2):

Clinical Biochemistry Laboratory, Health Services Laboratory
Classification: Pathogenic for Androgen resistance syndrome. Last evaluated: 2023-11-20. Review status: criteria provided, single submitter. Criteria: ACMG Guidelines, 2015. Collection method: clinical testing. Allele origin: germline. Affected: yes.
Comment: ACMG:PM1 PM2 PP3 PP4

3billion
Classification: Likely pathogenic for Androgen resistance syndrome. Last evaluated: 2022-01-03. Review status: criteria provided, single submitter. Criteria: ACMG Guidelines, 2015. Collection method: clinical testing. Allele origin: germline. Affected: yes. Observed: 1 homozygote.
Comment: The variant is located in a well-established functional domain or exonic hotspot, where pathogenic variants have frequently reported (PM1_M). Same nucleotide change resulting in same amino acid change has been previously reported to be associated with AR related disorder (PMID:20150575, PS1_P). A different missense change at the same codon has been reported to be associated with AR related disorder (PMID:1430233, PM5_P). In silico tool predictions suggest damaging effect of the variant on gene or gene product (REVEL: 0.708, PP3_P). It is not observed in the gnomAD v2.1.1 dataset (PM2_M). Therefore, this variant is classified as likely pathogenic according to the recommendation of ACMG/AMP guideline.

Literature cited by the submitters: PubMed 1430233 (cited by 3billion); PubMed 20150575 (cited by 3billion).